The following is an entry in ClinVar:

NM_000388.4(CASR):c.2735C>T (p.Ser912Phe)

Gene: CASR (calcium sensing receptor; plus strand). Cytogenetic location: 3q21.1.
Variant type: single nucleotide variant.
Coding change: c.2735C>T on transcript NM_000388.4 (MANE Select); coding-DNA position 2735, C replaced by T.
Protein change: p.Ser912Phe; replaces serine 912 with phenylalanine.
Molecular consequence: missense variant.
Genome position (GRCh38, 1-based): chr3:122,284,689, C>T. VCF-style: chr3-122284689-C-T. GRCh37 (hg19) VCF-style: chr3-122003536-C-T.
Other names: c.2765C>T, p.Ser922Phe (NM_001178065.2); short protein forms S922F, S912F.
Identifiers: ClinVar variation 854866 (VCV000854866.8), dbSNP rs1366210816, ClinGen allele CA354160651.

ClinVar aggregate classification (germline): Uncertain significance. Review status: criteria provided, multiple submitters, no conflicts (2 of 4 stars). 2 submissions from 2 submitters: Uncertain significance (2). Last evaluated 2025-11-10.

Conditions:
Familial hypocalciuric hypercalcemia (FHH). Also called: Familial benign hypercalcemia. Identifiers: Orphanet 405, MedGen C1809471, MONDO:0018458.
Autosomal dominant hypocalcemia 1 (HYPOC1). Also called: HYPOCALCEMIA, FAMILIAL. Identifiers: MedGen C3715128, MONDO:0011013, OMIM 601198.
Nephrolithiasis/nephrocalcinosis. Identifiers: MedGen CN580796.

Allele frequency attached by ClinVar (database versions not stated): gnomAD 0.00001; gnomAD exomes 0.00001.
gnomAD v4.1: 11 of 1,613,480 alleles (0.00068%); highest among the groups gnomAD compares: Non-Finnish European, 0.00093%; no homozygotes.

Submissions (2):

Labcorp Genetics (formerly Invitae), Labcorp
Classification: Uncertain significance for Familial hypocalciuric hypercalcemia; Autosomal dominant hypocalcemia 1. Last evaluated: 2025-11-10. Review status: criteria provided, single submitter. Criteria: Invitae Variant Classification Sherloc (09022015). Collection method: clinical testing. Allele origin: germline.
Comment: This sequence change replaces serine, which is neutral and polar, with phenylalanine, which is neutral and non-polar, at codon 912 of the CASR protein (p.Ser912Phe). This variant is present in population databases (no rsID available, gnomAD 0.007%). This variant has not been reported in the literature in individuals affected with CASR-related conditions. ClinVar contains an entry for this variant (Variation ID: 854866). An algorithm developed to predict the effect of missense changes on protein structure and function (PolyPhen-2) suggests that this variant is likely to be tolerated. In summary, the available evidence is currently insufficient to determine the role of this variant in disease. Therefore, it has been classified as a Variant of Uncertain Significance.

Ambry Genetics
Classification: Uncertain significance for Nephrolithiasis/nephrocalcinosis. Last evaluated: 2022-10-04. Review status: criteria provided, single submitter. Criteria: Ambry Variant Classification Scheme 2023. Collection method: clinical testing. Allele origin: germline.
Comment: The p.S912F variant (also known as c.2735C>T), located in coding exon 6 of the CASR gene, results from a C to T substitution at nucleotide position 2735. The serine at codon 912 is replaced by phenylalanine, an amino acid with highly dissimilar properties. This amino acid position is conserved. In addition, the in silico prediction for this alteration is inconclusive. Since supporting evidence is limited at this time, the clinical significance of this alteration remains unclear.